The following is an entry in ClinVar:

ClinVar aggregate classification (germline): Likely pathogenic (1 of 4 stars; one submission).

Conditions:
Leukoencephalopathy with vanishing white matter 1 (VWM1). Also called: CHILDHOOD ATAXIA WITH CENTRAL NERVOUS SYSTEM HYPOMYELINIZATION; Cree leukoencephalopathy; Vanishing white matter leukodystrophy; EIF2B1-Related Childhood Ataxia with Central Nervous System Hypomyelination/Vanishing White Matter. Identifiers: Orphanet 99854, MedGen C5779972, MONDO:0020507, OMIM 603896.

Submission:

Juno Genomics, Hangzhou Juno Genomics, Inc
Classification: Likely pathogenic for Leukoencephalopathy with vanishing white matter 1. Review status: criteria provided, single submitter. Criteria: ACMG Guidelines, 2015. Collection method: clinical testing. Allele origin: germline. Affected: yes.
Comment: Absent from controls (or at extremely low frequency if recessive) in Genome Aggregation Database, Exome Sequencing Project, 1000 Genomes Project, or Exome Aggregation Consortium.;Null variant in a gene where loss of function (LOF) is a known mechanism of disease.

NM_001414.4(EIF2B1):c.521_522del (p.Pro174fs)

Gene: EIF2B1 (eukaryotic translation initiation factor 2B subunit alpha; minus strand). Cytogenetic location: 12q24.31.
Variant type: Deletion.
Coding change: c.521_522del on transcript NM_001414.4 (MANE Select); coding-DNA positions 521 to 522, 2 bases deleted (CT; older notation c.521_522delCT).
Protein change: p.Pro174fs; shifts the reading frame from proline 174.
Molecular consequence: frameshift variant.
Genome position (GRCh38, 1-based): chr12:123,626,454-123,626,455, AG deleted on the plus strand (CT on the coding strand, the reverse complement: EIF2B1 is on the minus strand). VCF-style (leftmost placement, unchanged base first): chr12-123626453-CAG-C. GRCh37 (hg19) VCF-style: chr12-124111000-CAG-C.
Other names: short protein forms P174fs.
Identifiers: ClinVar variation 3382064 (VCV003382064.2).
Genomic context (GRCh38, chr12:123,626,453, plus strand): 5'-GGTGATTATGGCTGGGGAAGATGGGCACTCACCCGACAGCAGCATCTAGCACCACAGTGA[CAG>C]GGACGTTGAGGTGGCAGAGGGCTTTGGCCATTTTCTTACTGAAGATGACATTTTGAGAAC-3'